The following is an entry in ClinVar:

NM_005334.3(HCFC1):c.4202C>T (p.Pro1401Leu)

Gene: HCFC1 (host cell factor C1; minus strand). Cytogenetic location: Xq28.
Variant type: single nucleotide variant.
Coding change: c.4202C>T on transcript NM_005334.3 (MANE Select); coding-DNA position 4202, C replaced by T.
Protein change: p.Pro1401Leu; replaces proline 1401 with leucine.
Molecular consequence: missense variant.
Genome position (GRCh38, 1-based): chrX:153,954,197, G>A on the plus strand (C>T on the coding strand, the complement: HCFC1 is on the minus strand). VCF-style: chrX-153954197-G-A. GRCh37 (hg19) VCF-style: chrX-153219648-G-A.
Other names: c.4202C>T, p.Pro1401Leu (NM_001410705.1); short protein forms P1401L.
Identifiers: ClinVar variation 3360683 (VCV003360683.1).
Genomic context (GRCh38, chrX:153,954,197, plus strand): 5'-GGGGGGTTGGAGCACACCCTCTGTGTTGGGAAAGGAGCCAGCAGCGCGGTGCCAGCCTGG[G>A]GGGTGACGCTGGGTGCCGCCGCCACCTCTAGGCCAGACTCCACGGTCCTGTGGGAAGAAG-3'
Protein context (NP_005325.2, residues 1391-1411): LEVAAAPSVT[Pro1401Leu]QAGTALLAPF

ClinVar aggregate classification (germline): Uncertain significance (1 of 4 stars; one submission).

Submission:

GeneDx
Classification: Uncertain significance. Last evaluated: 2023-06-29. Review status: criteria provided, single submitter. Criteria: GeneDx Variant Classification Process June 2021. Collection method: clinical testing. Allele origin: germline. Affected: yes.
Comment: Not observed at significant frequency in large population cohorts (gnomAD); In silico analysis supports that this missense variant does not alter protein structure/function; Has not been previously published as pathogenic or benign to our knowledge